The following is an entry in ClinVar:

NM_006939.4(SOS2):c.3952C>A (p.Pro1318Thr)

Gene: SOS2 (SOS Ras/Rho guanine nucleotide exchange factor 2; minus strand). Cytogenetic location: 14q21.3.
Variant type: single nucleotide variant.
Coding change: c.3952C>A on transcript NM_006939.4 (MANE Select); coding-DNA position 3952, C replaced by A.
Protein change: p.Pro1318Thr; replaces proline 1318 with threonine.
Molecular consequence: missense variant.
Genome position (GRCh38, 1-based): chr14:50,118,391, G>T on the plus strand (C>A on the coding strand, the complement: SOS2 is on the minus strand). VCF-style: chr14-50118391-G-T. GRCh37 (hg19) VCF-style: chr14-50585109-G-T.
Other names: c.3853C>A, p.Pro1285Thr (NM_001411020.1); short protein forms P1285T, P1318T.
Identifiers: ClinVar variation 2797011 (VCV002797011.3), dbSNP rs140995728, ClinGen allele CA389636818.

ClinVar aggregate classification (germline): Uncertain significance (1 of 4 stars; one submission).

Conditions:
Noonan syndrome 9 (NS9). Identifiers: Orphanet 648, MedGen C4225282, MONDO:0014691, OMIM 616559.

Submission:

Labcorp Genetics (formerly Invitae), Labcorp
Classification: Uncertain significance for Noonan syndrome 9. Last evaluated: 2023-11-12. Review status: criteria provided, single submitter. Criteria: Invitae Variant Classification Sherloc (09022015). Collection method: clinical testing. Allele origin: germline.
Comment: This sequence change replaces proline, which is neutral and non-polar, with threonine, which is neutral and polar, at codon 1318 of the SOS2 protein (p.Pro1318Thr). This variant is not present in population databases (gnomAD no frequency). This variant has not been reported in the literature in individuals affected with SOS2-related conditions. Advanced modeling of protein sequence and biophysical properties (such as structural, functional, and spatial information, amino acid conservation, physicochemical variation, residue mobility, and thermodynamic stability) performed at Invitae indicates that this missense variant is not expected to disrupt SOS2 protein function with a negative predictive value of 95%. In summary, the available evidence is currently insufficient to determine the role of this variant in disease. Therefore, it has been classified as a Variant of Uncertain Significance.